The following is an entry in ClinVar:

ClinVar aggregate classification (germline): Benign/Likely benign. Review status: criteria provided, multiple submitters, no conflicts (2 of 4 stars). 2 submissions from 2 submitters: Benign (1); Likely benign (1). Last evaluated 2026-07-01.

Allele frequency attached by ClinVar (database versions not stated): TOPMed 0.00015; gnomAD 0.00029; ESP Exome Variant Server 0.00046; 1000 Genomes Project 0.00060; 1000 Genomes Project 30x 0.00062.
gnomAD v4.1: 811 of 1,614,104 alleles (0.05%); highest among the groups gnomAD compares: South Asian, 0.65%; 6 homozygotes.

Submissions (2):

CeGaT Center for Human Genetics Tuebingen
Classification: Likely benign. Last evaluated: 2026-07-01. Review status: criteria provided, single submitter. Criteria: CeGaT Center For Human Genetics Tuebingen Variant Classification Criteria Version 2. Collection method: clinical testing. Allele origin: germline. Affected: yes. Observed: 2 variant alleles.
Comment: TAF2: BP4, BS2

Labcorp Genetics (formerly Invitae), Labcorp
Classification: Benign. Last evaluated: 2026-01-19. Review status: criteria provided, single submitter. Criteria: Invitae Variant Classification Sherloc (09022015). Collection method: clinical testing. Allele origin: germline.

NM_003184.4(TAF2):c.3070C>G (p.Pro1024Ala)

Gene: TAF2 (TATA-box binding protein associated factor 2; minus strand). Cytogenetic location: 8q24.12.
Variant type: single nucleotide variant.
Coding change: c.3070C>G on transcript NM_003184.4 (MANE Select); coding-DNA position 3070, C replaced by G.
Protein change: p.Pro1024Ala; replaces proline 1024 with alanine.
Molecular consequence: missense variant.
Genome position (GRCh38, 1-based): chr8:119,746,743, G>C on the plus strand (C>G on the coding strand, the complement: TAF2 is on the minus strand). VCF-style: chr8-119746743-G-C. GRCh37 (hg19) VCF-style: chr8-120758983-G-C.
Other names: short protein forms P1024A.
Identifiers: ClinVar variation 2164077 (VCV002164077.6), dbSNP rs142735640, ClinGen allele CA4856904.
Genomic context (GRCh38, chr8:119,746,743, plus strand): 5'-CTGTAATACATGTGATTCTTACAGGGTTCTGAAATCCAACTAGCTGTGGGTGACTGCTTG[G>C]ATTATTTGCAGCTTCTTGGTTGCCTGCTACTGACTCTGGAATTATGGTAGGATTCAAGAC-3'
Protein context (NP_003175.2, residues 1014-1034): VAGNQEAANN[Pro1024Ala]SSHPQLVGFQ